The following is an entry in ClinVar:

NM_001206927.2(DNAH8):c.12136C>T (p.Arg4046Cys)

Genes: DNAH8 (dynein axonemal heavy chain 8; plus strand), DNAH8-AS1 (DNAH8 antisense RNA 1; minus strand). Cytogenetic location: 6p21.2.
Variant type: single nucleotide variant.
Coding change: c.12136C>T on transcript NM_001206927.2 (MANE Select); coding-DNA position 12136, C replaced by T.
Protein change: p.Arg4046Cys; replaces arginine 4046 with cysteine.
Molecular consequence: missense variant.
Genome position (GRCh38, 1-based): chr6:38,949,458, C>T. VCF-style: chr6-38949458-C-T. GRCh37 (hg19) VCF-style: chr6-38917234-C-T.
Other names: c.11485C>T, p.Arg3829Cys (NM_001371.4); short protein forms R3829C, R4046C.
Identifiers: ClinVar variation 2709430 (VCV002709430.1), dbSNP rs751189468, ClinGen allele CA3791279.

ClinVar aggregate classification (germline): Uncertain significance (1 of 4 stars; one submission).

Conditions:
Primary ciliary dyskinesia. Also called: Ciliary dyskinesia. Identifiers: Orphanet 244, MedGen C0008780, MONDO:0016575, HP:0012265.

Allele frequency attached by ClinVar (database versions not stated): gnomAD exomes 0.00001; ExAC 0.00002; gnomAD 0.00003; TOPMed 0.00005.
gnomAD v4.1: 12 of 1,601,862 alleles (0.00075%); highest among the groups gnomAD compares: African/African-American, 0.0027%; no homozygotes.

Submission:

Labcorp Genetics (formerly Invitae), Labcorp
Classification: Uncertain significance for Primary ciliary dyskinesia. Last evaluated: 2023-10-30. Review status: criteria provided, single submitter. Criteria: Invitae Variant Classification Sherloc (09022015). Collection method: clinical testing. Allele origin: germline.
Comment: This sequence change replaces arginine, which is basic and polar, with cysteine, which is neutral and slightly polar, at codon 4046 of the DNAH8 protein (p.Arg4046Cys). This variant is present in population databases (rs751189468, gnomAD 0.007%). This variant has not been reported in the literature in individuals affected with DNAH8-related conditions. Advanced modeling of protein sequence and biophysical properties (such as structural, functional, and spatial information, amino acid conservation, physicochemical variation, residue mobility, and thermodynamic stability) performed at Invitae indicates that this missense variant is expected to disrupt DNAH8 protein function with a positive predictive value of 80%. In summary, the available evidence is currently insufficient to determine the role of this variant in disease. Therefore, it has been classified as a Variant of Uncertain Significance.